The following is an entry in ClinVar:

ClinVar aggregate classification (germline): Likely benign. Review status: criteria provided, multiple submitters, no conflicts (2 of 4 stars). 3 submissions from 3 submitters: Likely benign (3). Last evaluated 2026-06-15.

Conditions:
Mucopolysaccharidosis, MPS-III-C (MPS3C). Also called: MUCOPOLYSACCHARIDOSIS, TYPE IIIC; mucopolysaccharidosis type 3C; SANFILIPPO SYNDROME C; MPS III C; MPS IIIC (Sanfilippo Syndrome Type C); Mucopolysaccharidosis type IIIC (Sanfilippo C). Identifiers: Orphanet 581, Orphanet 79271, MedGen C0086649, MONDO:0009657, OMIM 252930.
Retinitis pigmentosa 73 (RP73). Identifiers: Orphanet 791, MedGen C4225287, MONDO:0014687, OMIM 616544.
HGSNAT-related disorder. Also called: HGSNAT-related condition.

Allele frequency attached by ClinVar (database versions not stated): gnomAD 0.00001; gnomAD exomes 0.00004 and 0.00002; ESP Exome Variant Server 0.00017; TOPMed 0.00002; ExAC 0.00004.
gnomAD v4.1: 57 of 1,508,334 alleles (0.0038%); highest among the groups gnomAD compares: Non-Finnish European, 0.0047%; no homozygotes.

Submissions (3):

PreventionGenetics, part of Exact Sciences
Classification: Likely benign for HGSNAT-related condition. Last evaluated: 2026-06-15. Review status: criteria provided, single submitter. Criteria: ACMG Guidelines, 2015. Collection method: clinical testing. Allele origin: germline.
Comment: This variant is classified as likely benign based on ACMG/AMP sequence variant interpretation guidelines (Richards et al. 2015 PMID: 25741868, with internal and published modifications).

Labcorp Genetics (formerly Invitae), Labcorp
Classification: Likely benign for Retinitis pigmentosa 73; Mucopolysaccharidosis, MPS-III-C. Last evaluated: 2025-12-19. Review status: criteria provided, single submitter. Criteria: Invitae Variant Classification Sherloc (09022015). Collection method: clinical testing. Allele origin: germline.

Blueprint Genetics
Classification: Likely benign. Last evaluated: 2024-05-08. Review status: criteria provided, single submitter. Criteria: ACMG Guidelines, 2015. Collection method: clinical testing. Allele origin: germline.

NM_152419.3(HGSNAT):c.1012+10T>A

Gene: HGSNAT (heparan-alpha-glucosaminide N-acetyltransferase; plus strand). Cytogenetic location: 8p11.21.
Variant type: single nucleotide variant.
Coding change: c.1012+10T>A on transcript NM_152419.3 (MANE Select); 10 bases into the intron after coding-DNA position 1012, T replaced by A.
Molecular consequence: intron variant.
Genome position (GRCh38, 1-based): chr8:43,178,244, T>A. VCF-style: chr8-43178244-T-A. GRCh37 (hg19) VCF-style: chr8-43033387-T-A.
Other names: c.1012+10T>A (NM_001363227.2); c.148+10T>A (NM_001363229.2); c.821-3901T>A (NM_001363228.2).
Identifiers: ClinVar variation 761031 (VCV000761031.11), dbSNP rs372410947, ClinGen allele CA4736704.